The following is an entry in ClinVar:

NM_018684.4(ZC4H2):c.502G>A (p.Ala168Thr)

Gene: ZC4H2 (zinc finger C4H2-type containing; minus strand). Cytogenetic location: Xq11.2.
Variant type: single nucleotide variant.
Coding change: c.502G>A on transcript NM_018684.4 (MANE Select); coding-DNA position 502, G replaced by A.
Protein change: p.Ala168Thr; replaces alanine 168 with threonine.
Molecular consequence: missense variant. On other transcripts: non-coding transcript variant (1), intron variant (1).
Genome position (GRCh38, 1-based): chrX:64,919,101, C>T on the plus strand (G>A on the coding strand, the complement: ZC4H2 is on the minus strand). VCF-style: chrX-64919101-C-T. GRCh37 (hg19) VCF-style: chrX-64138981-C-T.
Other names: c.433G>A, p.Ala145Thr (NM_001178032.3, NM_001243804.2); c.398+980G>A (NM_001178033.3); short protein forms A145T, A168T.
Identifiers: ClinVar variation 1744893 (VCV001744893.9), dbSNP rs369918702, ClinGen allele CA10433395.

ClinVar aggregate classification (germline): Conflicting classifications of pathogenicity. Review status: criteria provided, conflicting classifications (1 of 4 stars). 3 submissions from 3 submitters: Uncertain significance (2); Benign (1). Last evaluated 2026-02-03.

Conditions:
Inborn genetic diseases. Identifiers: MedGen C0950123, MeSH D030342.

Allele frequency attached by ClinVar (database versions not stated): gnomAD 0.00003; TOPMed 0.00006; ESP Exome Variant Server 0.00019.
gnomAD v4.1: 82 of 1,197,521 alleles (0.0068%); highest among the groups gnomAD compares: Admixed American, 0.02%; no homozygotes.

Submissions (4):

Labcorp Genetics (formerly Invitae), Labcorp
Classification: Benign. Last evaluated: 2026-02-03. Review status: criteria provided, single submitter. Criteria: Invitae Variant Classification Sherloc (09022015). Collection method: clinical testing. Allele origin: germline.

Women's Health and Genetics/Laboratory Corporation of America, LabCorp
Classification: Uncertain significance. Last evaluated: 2023-09-01. Review status: criteria provided, single submitter. Criteria: LabCorp Variant Classification Summary - May 2015. Collection method: clinical testing. Allele origin: germline.
Comment: Variant summary: ZC4H2 c.502G>A (p.Ala168Thr) results in a non-conservative amino acid change in the encoded protein sequence. Three of five in-silico tools predict a benign effect of the variant on protein function. The variant allele was found at a frequency of 7.7e-05 in 168866 control chromosomes including 2 hemizygotes, allowing no conclusions about variant significance. To our knowledge, no occurrence of c.502G>A in individuals affected with Wieacker-Wolff Syndrome and no experimental evidence demonstrating its impact on protein function have been reported. Two submitters have cited clinical-significance assessments for this variant to ClinVar after 2014. One submitter classified the variant as benign, and one submitter classified the variant as uncertain significance. Based on the evidence outlined above, the variant was classified as uncertain significance.

Ambry Genetics
Classification: Uncertain significance for Inborn genetic diseases. Last evaluated: 2018-04-20. Review status: criteria provided, single submitter. Criteria: Ambry Variant Classification Scheme 2023. Collection method: clinical testing. Allele origin: germline.
Comment: The p.A168T variant (also known as c.502G>A), located in coding exon 4 of the ZC4H2 gene, results from a G to A substitution at nucleotide position 502. The alanine at codon 168 is replaced by threonine, an amino acid with similar properties. This amino acid position is not well conserved in available vertebrate species. In addition, this alteration is predicted to be tolerated by in silico analysis. Since supporting evidence is limited at this time, the clinical significance of this alteration remains unclear.

Dr. Peter K. Rogan Lab, Western University
No classification provided (evidence only). Condition: Nonpapillary renal cell carcinoma. Review status: no classification provided. Collection method: in vitro. Allele origin: not applicable. Functional consequence: retained intron. Not counted in ClinVar's aggregate classification.